The following is an entry in ClinVar:

NM_000203.5(IDUA):c.826_828del (p.Glu276del)

Gene: IDUA (alpha-L-iduronidase; plus strand). Cytogenetic location: 4p16.3.
Variant type: Deletion.
Coding change: c.826_828del on transcript NM_000203.5 (MANE Select); coding-DNA positions 826 to 828, 3 bases deleted (GAG; older notation c.826_828delGAG).
Protein change: p.Glu276del; deletes glutamic acid 276.
Molecular consequence: inframe deletion. On other transcripts: non-coding transcript variant (1).
Genome position (GRCh38, 1-based): chr4:1,002,015-1,002,017, GAG deleted; deleting any 3 consecutive bases within chr4:1,002,013-1,002,017 gives the same sequence; the c. name uses the placement nearest the transcript's 3' end. VCF-style (leftmost placement, unchanged base first): chr4-1002012-CAGG-C. GRCh37 (hg19) VCF-style: chr4-995800-CAGG-C.
Other names: c.430_432del, p.Glu144del (NM_001363576.1); short protein forms E144del, E276del.
Identifiers: ClinVar variation 2734638 (VCV002734638.3), dbSNP rs2534087192, ClinGen allele CA2586965949.
Genomic context (GRCh38, chr4:1,002,012, plus strand): 5'-CTGGTGGTGCTGAGGCGGCCCCGCCCGCAGGGTGCGCGCAGCTCCATCTCCATCCTGGAG[CAGG>C]AGAAGGTCGTCGCGCAGCAGATCCGGCAGCTCTTCCCCAAGTTCGCGGACACCCCCATTT-3'

ClinVar aggregate classification (germline): Uncertain significance (1 of 4 stars; one submission).

Conditions:
Mucopolysaccharidosis type 1. Also called: Mucopolysaccharidosis Type I; IDUA deficiency; MPS I. Identifiers: Orphanet 579, MedGen C0023786, MONDO:0001586.

Submission:

Labcorp Genetics (formerly Invitae), Labcorp
Classification: Uncertain significance for Mucopolysaccharidosis type 1. Last evaluated: 2023-03-22. Review status: criteria provided, single submitter. Criteria: Invitae Variant Classification Sherloc (09022015). Collection method: clinical testing. Allele origin: germline.
Comment: This variant, c.826_828del, results in the deletion of 1 amino acid(s) of the IDUA protein (p.Glu276del), but otherwise preserves the integrity of the reading frame. This variant is not present in population databases (gnomAD no frequency). This variant has been observed in individual(s) with mucopolysaccharidosis type I (PMID: 21394825). Algorithms developed to predict the effect of sequence changes on RNA splicing suggest that this variant may disrupt the consensus splice site. In summary, the available evidence is currently insufficient to determine the role of this variant in disease. Therefore, it has been classified as a Variant of Uncertain Significance.

Literature cited by the submitters: PubMed 21394825.